The following is an entry in ClinVar:

NM_001384474.1(LOXHD1):c.683C>T (p.Pro228Leu)

Gene: LOXHD1 (lipoxygenase homology PLAT domains 1; minus strand). Cytogenetic location: 18q21.1.
Variant type: single nucleotide variant.
Coding change: c.683C>T on transcript NM_001384474.1 (MANE Select); coding-DNA position 683, C replaced by T.
Protein change: p.Pro228Leu; replaces proline 228 with leucine.
Molecular consequence: missense variant.
Genome position (GRCh38, 1-based): chr18:46,610,852, G>A on the plus strand (C>T on the coding strand, the complement: LOXHD1 is on the minus strand). VCF-style: chr18-46610852-G-A. GRCh37 (hg19) VCF-style: chr18-44190815-G-A.
Other names: c.683C>T, p.Pro228Leu (NM_144612.7); short protein forms P228L.
Identifiers: ClinVar variation 228837 (VCV000228837.11), dbSNP rs372408513, ClinGen allele CA8952900.
Genomic context (GRCh38, chr18:46,610,852, plus strand): 5'-CCTGCAGAGCCCCCCTTATTGTTGTGGCCAACATTGATCTTCATCAGCTGCCCCAAATCC[G>A]GGGCATCCAGGATGAACCTGTCTTCAGCTCCCTTTTCAAAGTTGTCCTTTTCATTTTCTA-3'
Protein context (NP_001371403.1, residues 218-238): GAEDRFILDA[Pro228Leu]DLGQLMKINV

ClinVar aggregate classification (germline): Uncertain significance. Review status: criteria provided, multiple submitters, no conflicts (2 of 4 stars). 4 submissions from 4 submitters: Uncertain significance (3). 1 of the submissions does not count toward it. Last evaluated 2024-11-13.

Conditions:
Inborn genetic diseases. Identifiers: MedGen C0950123, MeSH D030342.
Autosomal recessive nonsyndromic hearing loss 77. Identifiers: Orphanet 90636, MedGen C2746083, MONDO:0013119, OMIM 613079.

Allele frequency attached by ClinVar (database versions not stated): TOPMed 0.00009; gnomAD exomes 0.00012; 1000 Genomes Project 30x 0.00016; ExAC 0.00018; 1000 Genomes Project 0.00020; ESP Exome Variant Server 0.00044.
gnomAD v4.1: 134 of 1,551,706 alleles (0.0086%); highest among the groups gnomAD compares: Middle Eastern, 0.1%; 1 homozygote.

Submissions (4):

Ambry Genetics
Classification: Uncertain significance for Inborn genetic diseases. Last evaluated: 2024-11-13. Review status: criteria provided, single submitter. Criteria: Ambry Variant Classification Scheme 2023. Collection method: clinical testing. Allele origin: germline.

Dubai Health Genomic Medicine Center, Dubai Health
Classification: Uncertain significance for Autosomal recessive nonsyndromic hearing loss 77. Last evaluated: 2020-02-23. Review status: criteria provided, single submitter. Criteria: ACMG Guidelines, 2015. Collection method: clinical testing. Allele origin: germline. Affected: yes.
Comment: The p.Pro228Leu variant in LOXHD1 has been previously reported by one clinical lab in an individual with hearing loss which was explained bu pathogenic variants in another gene (ClinVar Accession: SCV000271957.2). This variant was also observed in 14/22772 (0.06% 1 homozygote) South Asian alleles in the Genome Aggregation Database (gnomAD) and in 1/1821 (0.12%) alleles in the Greater Middle East (GME) Variome Database. Computational prediction tools and conservation analysis suggest an impact to protein function though this information is not predictive enough to confirm pathogenicity. In summary more information is needed to determine the clinical significance of this variant.

Laboratory for Molecular Medicine, Mass General Brigham Personalized Medicine
Classification: Uncertain significance. Last evaluated: 2017-01-10. Review status: criteria provided, single submitter. Criteria: LMM Criteria. Collection method: clinical testing. Allele origin: germline. Observed: 2 variant alleles.
Comment: It has been identified in 3/7912 South Asian chromosomes by the Exome Aggregation Consortium (ExAC; dbSNP rs 372408513). Although this variant has been seen in the general population, its f requency is not high enough to rule out a pathogenic role. Computational predict ion tools and conservation analyses do not provide strong support for or against an impact to the protein. In summary, the clinical significance of the p.Pro228 Leu variant is uncertain.

Natera, Inc.
Classification: Uncertain significance for Autosomal recessive deafness type 77. Last evaluated: 2019-10-28. Review status: no assertion criteria provided. Collection method: clinical testing. Allele origin: germline. Not counted in ClinVar's aggregate classification.